The following is an entry in ClinVar:

ClinVar aggregate classification (germline): Uncertain significance. Review status: criteria provided, multiple submitters, no conflicts (2 of 4 stars). 5 submissions from 5 submitters: Uncertain significance (5). Last evaluated 2025-11-11.

Conditions:
Intellectual disability, autosomal dominant 16 (CSS4). Also called: COFFIN-SIRIS SYNDROME 4. Identifiers: Orphanet 1465, MedGen C3553249, MONDO:0013821, OMIM 614609.
Hereditary cancer-predisposing syndrome. Also called: Hereditary neoplastic syndrome; Neoplastic Syndromes, Hereditary; Tumor predisposition; Hereditary Cancer Syndrome. Identifiers: Orphanet 140162, MedGen C0027672, MeSH D009386, MONDO:0015356.
Rhabdoid tumor predisposition syndrome 2 (RTPS2). Identifiers: Orphanet 231108, Orphanet 69077, MedGen C2750074, MONDO:0013224, OMIM 613325.

Submissions (5):

Labcorp Genetics (formerly Invitae), Labcorp
Classification: Uncertain significance for Rhabdoid tumor predisposition syndrome 2. Last evaluated: 2025-11-11. Review status: criteria provided, single submitter. Criteria: Invitae Variant Classification Sherloc (09022015). Collection method: clinical testing. Allele origin: germline.
Comment: This variant, c.5005_5007delGAG, results in the deletion of 1 amino acid(s) of the SMARCA4 protein (p.Glu1669del), but otherwise preserves the integrity of the reading frame. This variant is present in population databases (rs745740277, gnomAD 0.004%). This variant has not been reported in the literature in individuals affected with SMARCA4-related conditions. This variant is also known as c.5006_5007+1del. Experimental studies and prediction algorithms are not available or were not evaluated, and the functional significance of this variant is currently unknown. In summary, the available evidence is currently insufficient to determine the role of this variant in disease. Therefore, it has been classified as a Variant of Uncertain Significance.

Ambry Genetics
Classification: Uncertain significance for Hereditary cancer-predisposing syndrome. Last evaluated: 2024-01-29. Review status: criteria provided, single submitter. Criteria: Ambry Variant Classification Scheme 2023. Collection method: clinical testing. Allele origin: germline.
Comment: The c.5006_5007+1delAGG variant results from a deletion of the last two nucleotides of coding exon 34 and the first nucleotide of intron 34. These nucleotide positions are highly conserved in available vertebrate species. In silico splice site analysis predicts that this alteration will weaken the native splice donor site and will result in the creation or strengthening of a novel splice donor site. RNA studies have demonstrated that this alteration results in a transcript predicted to lead to a protein with an in-frame deletion of 1 amino acid; however, the exact functional impact of the deleted amino acid is unknown at this time (Ambry internal data). This variant has been detected in multiple individuals with no reported features of Coffin-Siris syndrome (Ambry internal data). Based on the supporting evidence, the association of this alteration with rhabdoid tumor predisposition syndrome is unknown; however, the association of this alteration with Coffin-Siris syndrome is unlikely.

GeneDx
Classification: Uncertain significance. Last evaluated: 2024-01-09. Review status: criteria provided, single submitter. Criteria: GeneDx Variant Classification Process June 2021. Collection method: clinical testing. Allele origin: germline. Affected: yes.
Comment: Canonical splice site variant with an unclear effect on protein function; In silico analysis supports a deleterious effect on splicing: cryptic splice site predicted to result in an in-frame deletion at the protein level (E1669del); Has not been previously published as pathogenic or benign to our knowledge

Baylor Genetics
Classification: Uncertain significance for Rhabdoid tumor predisposition syndrome 2. Last evaluated: 2023-10-26. Review status: criteria provided, single submitter. Criteria: ACMG Guidelines, 2015. Collection method: clinical testing. Allele origin: unknown.

Genome-Nilou Lab
Classification: Uncertain significance for Intellectual disability, autosomal dominant 16. Last evaluated: 2021-07-15. Review status: criteria provided, single submitter. Criteria: ACMG Guidelines, 2015. Collection method: clinical testing. Allele origin: germline. Affected: no.

NM_003072.5(SMARCA4):c.4910_4911+1del

Gene: SMARCA4 (SWI/SNF related BAF chromatin remodeling complex subunit ATPase 4; plus strand). Cytogenetic location: 19p13.2.
Variant type: Microsatellite.
Coding change: c.4910_4911+1del on transcript NM_003072.5 (MANE Select); coding-DNA position 4910 through the canonical splice donor site of the intron after coding-DNA position 4911, 3 bases deleted (AGG; older notation c.4910_4911+1delAGG).
Molecular consequence: splice donor variant.
Genome position (GRCh38, 1-based): chr19:11,060,186-11,060,188, AGG deleted; deleting any 3 consecutive bases within chr19:11,060,182-11,060,188 gives the same sequence; the c. name uses the placement nearest the transcript's 3' end. VCF-style (leftmost placement, unchanged base first): chr19-11060181-AGAG-A. GRCh37 (hg19) VCF-style: chr19-11170857-AGAG-A.
Other names: c.4910_4911+1del (NM_001128844.3); c.5006_5007+1del (NM_001128849.3, NM_001387283.1); c.4811_4812+1del (NM_001128847.4, NM_001374457.1); c.4820_4821+1del (NM_001128845.2); c.4817_4818+1del (NM_001128846.2); c.4808_4809+1del (NM_001128848.2); c.5006_5007+1delAGG (NM_001128849.1).
Identifiers: ClinVar variation 470432 (VCV000470432.18), dbSNP rs745740277, ClinGen allele CA9204895.
Genomic context (GRCh38, chr19:11,060,181, plus strand): 5'-GCCGAGCCGAGGGTCCCGAGCCAAGCCGGTCGTGAGTGACGATGACAGTGAGGAGGAACA[AGAG>A]GAGGTGAGGCCGGGCCCCCGAGCAGGCAGAGCTGGCATGTGGCAGGAGGCATCCCGGGGC-3'